The following is an entry in ClinVar:

NM_001242896.3(DEPDC5):c.4465del (p.Ala1489fs)

Gene: DEPDC5 (DEP domain containing 5, GATOR1 subcomplex subunit; plus strand). Cytogenetic location: 22q12.3.
Variant type: Deletion.
Coding change: c.4465del on transcript NM_001242896.3 (MANE Select); coding-DNA position 4465, one base deleted (G; older notation c.4465delG).
Protein change: p.Ala1489fs; shifts the reading frame from alanine 1489.
Molecular consequence: frameshift variant. On other transcripts: non-coding transcript variant (5).
Genome position (GRCh38, 1-based): chr22:31,906,012, G deleted. VCF-style (leftmost placement, unchanged base first): chr22-31906011-TG-T. GRCh37 (hg19) VCF-style: chr22-32301997-TG-T.
Other names: c.4438del, p.Ala1480fs (NM_001136029.4); c.4165del, p.Ala1389fs (NM_001242897.2); c.4399del, p.Ala1467fs (NM_001363852.2, NM_001364320.2); c.4231del, p.Ala1411fs (NM_001363854.2, NM_001364319.2); c.4465del, p.Ala1489fs (NM_001364318.2); c.4381del, p.Ala1461fs (NM_001369901.1, NM_001369902.1); c.4372del, p.Ala1458fs (NM_001369903.1, NM_014662.6); short protein forms A1389fs, A1411fs, A1458fs, A1461fs, A1467fs, A1480fs, A1489fs.
Identifiers: ClinVar variation 3341429 (VCV003341429.1).
Genomic context (GRCh38, chr22:31,906,011, plus strand): 5'-CGCTGATTAGCATGTCTTCCTGTCCTTCCCTAGGTTTGGGTTTGTACAAGATAAATATTC[TG>T]CCTCTGCTTTTAACTTCCCTGCTGAGAACAAGCCTCAGTATATCCACGTTACAGGTGAGG-3'

ClinVar aggregate classification (germline): Likely pathogenic (1 of 4 stars; one submission).

Conditions:
Epilepsy, familial focal, with variable foci 1 (FFEVF1). Also called: DEPDC5-Related Epilepsy. Identifiers: MedGen C4551983, MONDO:0024556, OMIM 604364.

Submission:

Neuberg Centre For Genomic Medicine, NCGM
Classification: Likely pathogenic for Epilepsy, familial focal, with variable foci 1. Last evaluated: 2023-05-20. Review status: criteria provided, single submitter. Criteria: ACMG Guidelines, 2015. Collection method: clinical testing. Allele origin: germline. Inheritance: Autosomal dominant inheritance. Affected: yes.
Comment: The observed frameshift c.4465del(p.Ala1489ProfsTer85) variant in DEPDC5 gene has not been reported previously as a pathogenic variant nor a benign variant, to our knowledge. The p.Ala1489ProfsTer85 variant is absent in gnomAD Exomes. This variant has not been submitted to the ClinVar database. This variant causes a frameshift starting with codon Alanine 1489, changes this amino acid to Proline residue, and creates a premature Stop codon at position 85 of the new reading frame, denoted p.Ala1489ProfsTer85. This variant is predicted to cause loss of normal protein function through protein truncation. Loss of function variants have been previously reported to be disease causing. For these reasons, this variant has been classified as Likely Pathogenic.